The following is an entry in ClinVar:

NM_004629.2(FANCG):c.635C>T (p.Ala212Val)

Gene: FANCG (FA complementation group G; minus strand). Cytogenetic location: 9p13.3.
Variant type: single nucleotide variant.
Coding change: c.635C>T on transcript NM_004629.2 (MANE Select); coding-DNA position 635, C replaced by T.
Protein change: p.Ala212Val; replaces alanine 212 with valine.
Molecular consequence: missense variant.
Genome position (GRCh38, 1-based): chr9:35,077,275, G>A on the plus strand (C>T on the coding strand, the complement: FANCG is on the minus strand). VCF-style: chr9-35077275-G-A. GRCh37 (hg19) VCF-style: chr9-35077272-G-A.
Other names: short protein forms A212V.
Identifiers: ClinVar variation 640953 (VCV000640953.5), dbSNP rs375754266, ClinGen allele CA192695078.

ClinVar aggregate classification (germline): Uncertain significance. Review status: criteria provided, multiple submitters, no conflicts (2 of 4 stars). 2 submissions from 2 submitters: Uncertain significance (2). Last evaluated 2021-11-05.

Conditions:
Fanconi anemia (FA). Also called: Fanconi's anemia. Identifiers: Orphanet 84, MedGen C0015625, MeSH D005199, MONDO:0019391.
Fanconi anemia complementation group G. Also called: FANCG-Related Fanconi Anemia; Fanconi anemia group G. Identifiers: Orphanet 84, MedGen C3469527, MONDO:0013565, OMIM 614082.

Allele frequency attached by ClinVar (database versions not stated): gnomAD exomes below 0.00001; gnomAD 0.00002; TOPMed 0.00003; ESP Exome Variant Server 0.00008.

Submissions (2):

Fulgent Genetics
Classification: Uncertain significance for Fanconi anemia complementation group G. Last evaluated: 2021-11-05. Review status: criteria provided, single submitter. Criteria: ACMG Guidelines, 2015. Collection method: clinical testing. Allele origin: unknown.

Labcorp Genetics (formerly Invitae), Labcorp
Classification: Uncertain significance for Fanconi anemia. Last evaluated: 2021-08-28. Review status: criteria provided, single submitter. Criteria: Invitae Variant Classification Sherloc (09022015). Collection method: clinical testing. Allele origin: germline.
Comment: This sequence change replaces alanine with valine at codon 212 of the FANCG protein (p.Ala212Val). The alanine residue is moderately conserved and there is a small physicochemical difference between alanine and valine. This variant is not present in population databases (ExAC no frequency). This variant has not been reported in the literature in individuals affected with FANCG-related conditions. Algorithms developed to predict the effect of missense changes on protein structure and function are either unavailable or do not agree on the potential impact of this missense change (SIFT: "Tolerated"; PolyPhen-2: "Possibly Damaging"; Align-GVGD: "Class C0"). In summary, the available evidence is currently insufficient to determine the role of this variant in disease. Therefore, it has been classified as a Variant of Uncertain Significance.